The following is an entry in ClinVar:

NM_015076.5(CDK19):c.948G>C (p.Leu316=)

Gene: CDK19 (cyclin dependent kinase 19; minus strand). Cytogenetic location: 6q21.
Variant type: single nucleotide variant.
Coding change: c.948G>C on transcript NM_015076.5 (MANE Select); coding-DNA position 948, G replaced by C.
Protein change: p.Leu316=; no amino-acid change (leucine 316 retained).
Molecular consequence: synonymous variant.
Genome position (GRCh38, 1-based): chr6:110,622,898, C>G on the plus strand (G>C on the coding strand, the complement: CDK19 is on the minus strand). VCF-style: chr6-110622898-C-G. GRCh37 (hg19) VCF-style: chr6-110944101-C-G.
Other names: c.816G>C, p.Leu272= (NM_001300960.2); c.768G>C, p.Leu256= (NM_001300963.2, NM_001300964.2).
Identifiers: ClinVar variation 4874886 (VCV004874886.2).
Genomic context (GRCh38, chr6:110,622,898, plus strand): 5'-CTGAAAATAGGGATCCTGCAGAGCTTGCTCCGAGGTAATTCTCTTGGTTGGATCCATGGT[C>G]AGGAGTTTCTGAAGCTAGAGTGACACACAGGAAATGTACAGCACATGAAAAGGTTATTTA-3'
Protein context (NP_055891.1, residues 306-326): SKVFLLLQKL[Leu316=]TMDPTKRITS

ClinVar aggregate classification (germline): Likely benign (1 of 4 stars; one submission).

gnomAD v4.1: 1 of 1,611,856 alleles (0.000062%); highest among the groups gnomAD compares: Non-Finnish European, 0.000085%; no homozygotes.

Submission:

CeGaT Center for Human Genetics Tuebingen
Classification: Likely benign. Last evaluated: 2026-05-01. Review status: criteria provided, single submitter. Criteria: CeGaT Center For Human Genetics Tuebingen Variant Classification Criteria Version 2. Collection method: clinical testing. Allele origin: germline. Affected: yes. Observed: 1 variant allele.
Comment: CDK19: BP4, BP7